The following is an entry in ClinVar:

ClinVar aggregate classification (germline): Uncertain significance. Review status: criteria provided, multiple submitters, no conflicts (2 of 4 stars). 2 submissions from 2 submitters: Uncertain significance (2). Last evaluated 2026-03-01.

gnomAD v4.1: 1 of 1,536,036 alleles (0.000065%); highest among the groups gnomAD compares: Non-Finnish European, 0.000087%; no homozygotes.

Submissions (2):

CeGaT Center for Human Genetics Tuebingen
Classification: Uncertain significance. Last evaluated: 2026-03-01. Review status: criteria provided, single submitter. Criteria: CeGaT Center For Human Genetics Tuebingen Variant Classification Criteria Version 2. Collection method: clinical testing. Allele origin: germline. Affected: yes. Observed: 1 variant allele.
Comment: DNAJB6: PM2:Supporting, BP4

GeneDx
Classification: Uncertain significance. Last evaluated: 2024-11-19. Review status: criteria provided, single submitter. Criteria: GeneDx Variant Classification Process June 2021. Collection method: clinical testing. Allele origin: germline. Affected: yes.
Comment: Not observed at significant frequency in large population cohorts (gnomAD); Missense variants in this gene are a common cause of disease and they are underrepresented in the general population; In silico analysis indicates that this missense variant does not alter protein structure/function; Has not been previously published as pathogenic or benign to our knowledge

NM_058246.4(DNAJB6):c.821A>G (p.His274Arg)

Gene: DNAJB6 (DnaJ heat shock protein family (Hsp40) member B6; plus strand). Cytogenetic location: 7q36.3.
Variant type: single nucleotide variant.
Coding change: c.821A>G on transcript NM_058246.4 (MANE Select); coding-DNA position 821, A replaced by G.
Protein change: p.His274Arg; replaces histidine 274 with arginine.
Molecular consequence: missense variant.
Genome position (GRCh38, 1-based): chr7:157,409,924, A>G. VCF-style: chr7-157409924-A-G. GRCh37 (hg19) VCF-style: chr7-157202618-A-G.
Other names: c.476A>G, p.His159Arg (NM_001363676.1); short protein forms H159R, H274R.
Identifiers: ClinVar variation 3899811 (VCV003899811.5).